The following is an entry in ClinVar:

NC_000007.13:g.(?_45039933)_(45115674_?)del

Gene: CCM2 (CCM2 scaffold protein; plus strand). Cytogenetic location: 7p13.
Variant type: Deletion.
Identifiers: ClinVar variation 2426972 (VCV002426972.3).

ClinVar aggregate classification (germline): Pathogenic (1 of 4 stars; one submission).

Conditions:
Cerebral cavernous malformation 2. Also called: Familial Cerebral Cavernous Malformation 2. Identifiers: Orphanet 221061, MedGen C1864041, MONDO:0011304, OMIM 603284.

Submission:

Labcorp Genetics (formerly Invitae), Labcorp
Classification: Pathogenic for Cerebral cavernous malformation 2. Last evaluated: 2021-11-22. Review status: criteria provided, single submitter. Criteria: Invitae Variant Classification Sherloc (09022015). Collection method: clinical testing. Allele origin: germline.
Comment: For these reasons, this variant has been classified as Pathogenic. This variant has not been reported in the literature in individuals affected with CCM2-related conditions. A gross deletion of the genomic region encompassing the full coding sequence of the CCM2 gene has been identified. Loss-of-function variants in CCM2 are known to be pathogenic (PMID: 18300272, 24689081). The boundaries of this event are unknown as they extend beyond the assayed region for this gene and therefore may encompass additional genes.

Literature cited by the submitters: PubMed 18300272; PubMed 24689081.